The following is an entry in ClinVar:

NM_172240.3(POC1B):c.144del (p.Lys48fs)

Genes: POC1B (POC1 centriolar protein B; minus strand), POC1B-DUSP6 (POC1B-DUSP6 readthrough; minus strand). Cytogenetic location: 12q21.33.
Variant type: Deletion.
Coding change: c.144del on transcript NM_172240.3 (MANE Select); coding-DNA position 144, one base deleted (G; older notation c.144delG).
Protein change: p.Lys48fs; shifts the reading frame from lysine 48.
Molecular consequence: frameshift variant.
Genome position (GRCh38, 1-based): chr12:89,497,299, C deleted on the plus strand (G on the coding strand, the reverse complement: POC1B is on the minus strand). VCF-style (leftmost placement, unchanged base first): chr12-89497298-GC-G. GRCh37 (hg19) VCF-style: chr12-89891075-GC-G.
Other names: c.18del, p.Lys6fs (NM_001199777.2); short protein forms K48fs, K6fs.
Identifiers: ClinVar variation 1029264 (VCV001029264.8), dbSNP rs753599044, ClinGen allele CA6714598.

ClinVar aggregate classification (germline): Pathogenic. Review status: criteria provided, multiple submitters, no conflicts (2 of 4 stars). 3 submissions from 3 submitters: Pathogenic (3). Last evaluated 2024-12-30.

Conditions:
Cone-rod dystrophy 20 (CORD20). Identifiers: Orphanet 1872, MedGen C4014856, MONDO:0014427, OMIM 615973.

Allele frequency attached by ClinVar (database versions not stated): gnomAD exomes below 0.00001 and 0.00002; TOPMed below 0.00001; ExAC 0.00002.

Submissions (3):

Labcorp Genetics (formerly Invitae), Labcorp
Classification: Pathogenic. Last evaluated: 2024-12-30. Review status: criteria provided, single submitter. Criteria: Invitae Variant Classification Sherloc (09022015). Collection method: clinical testing. Allele origin: germline.
Comment: This sequence change creates a premature translational stop signal (p.Lys48Asnfs*16) in the POC1B gene. It is expected to result in an absent or disrupted protein product. Loss-of-function variants in POC1B are known to be pathogenic (PMID: 25018096, 29220607). This variant is present in population databases (rs753599044, gnomAD 0.01%). This variant has not been reported in the literature in individuals affected with POC1B-related conditions. ClinVar contains an entry for this variant (Variation ID: 1029264). For these reasons, this variant has been classified as Pathogenic.

3billion
Classification: Pathogenic for Cone-rod dystrophy 20. Last evaluated: 2024-02-28. Review status: criteria provided, single submitter. Criteria: ACMG Guidelines, 2015. Collection method: clinical testing. Allele origin: germline. Affected: yes.
Comment: The variant is observed at an extremely low frequency in the gnomAD v2.1.1 dataset (total allele frequency: 0.002%). Predicted Consequence/Location: Frameshift: predicted to result in a loss or disruption of normal protein function through nonsense-mediated decay (NMD) or protein truncation. Multiple pathogenic variants are reported downstream of the variant. The variant has been reported at least twice as pathogenic without evidence for the classification (ClinVar ID: VCV001029264). Therefore, this variant is classified as Pathogenic according to the recommendation of ACMG/AMP guideline.

DBGen Ocular Genomics
Classification: Pathogenic for Cone-rod dystrophy 20. Last evaluated: 2021-05-25. Review status: criteria provided, single submitter. Criteria: ACMG Guidelines, 2015. Collection method: clinical testing. Allele origin: germline. Affected: yes. Observed: 1 variant allele.

Literature cited by the submitters: PubMed 25018096 (cited by Labcorp Genetics (formerly Invitae), Labcorp); PubMed 29220607 (cited by Labcorp Genetics (formerly Invitae), Labcorp).